The following is an entry in ClinVar:

ClinVar aggregate classification (germline): Uncertain significance. Review status: criteria provided, multiple submitters, no conflicts (2 of 4 stars). 2 submissions from 2 submitters: Uncertain significance (2). Last evaluated 2024-02-07.

Conditions:
Singleton-Merten syndrome 1 (SGMRT1). Also called: Widened medullary cavities of bone, aortic calcification, abnormal dentition, and muscular weakness; Syndrome of widened medullary cavities of the metacarpals and phalanges, aortic calcification and abnormal dentition. Identifiers: Orphanet 85191, MedGen C4225427, MONDO:0024535, OMIM 182250.
Aicardi-Goutieres syndrome 7 (AGS7). Identifiers: Orphanet 51, MedGen C3888244, MONDO:0014367, OMIM 615846.
Inborn genetic diseases. Identifiers: MedGen C0950123, MeSH D030342.

Allele frequency attached by ClinVar (database versions not stated): gnomAD exomes below 0.00001.
gnomAD v4.1: 1 of 1,613,854 alleles (0.000062%); highest among the groups gnomAD compares: Non-Finnish European, 0.000085%; no homozygotes.

Submissions (2):

Labcorp Genetics (formerly Invitae), Labcorp
Classification: Uncertain significance for Aicardi-Goutieres syndrome 7; Singleton-Merten syndrome 1. Last evaluated: 2024-02-07. Review status: criteria provided, single submitter. Criteria: Invitae Variant Classification Sherloc (09022015). Collection method: clinical testing. Allele origin: germline.
Comment: This sequence change replaces tyrosine, which is neutral and polar, with cysteine, which is neutral and slightly polar, at codon 712 of the IFIH1 protein (p.Tyr712Cys). This variant is present in population databases (no rsID available, gnomAD 0.0009%). This variant has not been reported in the literature in individuals affected with IFIH1-related conditions. ClinVar contains an entry for this variant (Variation ID: 2546584). Advanced modeling of protein sequence and biophysical properties (such as structural, functional, and spatial information, amino acid conservation, physicochemical variation, residue mobility, and thermodynamic stability) has been performed at Invitae for this missense variant, however the output from this modeling did not meet the statistical confidence thresholds required to predict the impact of this variant on IFIH1 protein function. In summary, the available evidence is currently insufficient to determine the role of this variant in disease. Therefore, it has been classified as a Variant of Uncertain Significance.

Ambry Genetics
Classification: Uncertain significance for Inborn genetic diseases. Last evaluated: 2023-05-16. Review status: criteria provided, single submitter. Criteria: Ambry Variant Classification Scheme 2023. Collection method: clinical testing. Allele origin: germline.

NM_022168.4(IFIH1):c.2135A>G (p.Tyr712Cys)

Gene: IFIH1 (interferon induced with helicase C domain 1; minus strand). Cytogenetic location: 2q24.2.
Variant type: single nucleotide variant.
Coding change: c.2135A>G on transcript NM_022168.4 (MANE Select); coding-DNA position 2135, A replaced by G.
Protein change: p.Tyr712Cys; replaces tyrosine 712 with cysteine.
Molecular consequence: missense variant.
Genome position (GRCh38, 1-based): chr2:162,276,856, T>C on the plus strand (A>G on the coding strand, the complement: IFIH1 is on the minus strand). VCF-style: chr2-162276856-T-C. GRCh37 (hg19) VCF-style: chr2-163133366-T-C.
Other names: short protein forms Y712C.
Identifiers: ClinVar variation 2546584 (VCV002546584.4), dbSNP rs1227218763, ClinGen allele CA348997422.
Genomic context (GRCh38, chr2:162,276,856, plus strand): 5'-TATGCACTCTGTCGTGTTTTTGTAAAGATTATTCCTCGTGCTGATTCCTCAGTCCTAGTA[T>C]ATTGCTCCATTATGGTATTTCTTAATTTGGTCAGCTTTTCATTTTCATATTCTGGGTTTT-3'
Protein context (NP_071451.2, residues 702-722): TKLRNTIMEQ[Tyr712Cys]TRTEESARGI